The following is an entry in ClinVar:

NM_006306.4(SMC1A):c.2738C>T (p.Thr913Ile)

Gene: SMC1A (structural maintenance of chromosomes 1A; minus strand). Cytogenetic location: Xp11.22.
Variant type: single nucleotide variant.
Coding change: c.2738C>T on transcript NM_006306.4 (MANE Select); coding-DNA position 2738, C replaced by T.
Protein change: p.Thr913Ile; replaces threonine 913 with isoleucine.
Molecular consequence: missense variant.
Genome position (GRCh38, 1-based): chrX:53,396,351, G>A on the plus strand (C>T on the coding strand, the complement: SMC1A is on the minus strand). VCF-style: chrX-53396351-G-A. GRCh37 (hg19) VCF-style: chrX-53423271-G-A.
Other names: c.2738C>T (NM_006306.2); c.2672C>T, p.Thr891Ile (NM_001281463.1); short protein forms T891I, T913I.
Identifiers: ClinVar variation 572035 (VCV000572035.9), dbSNP rs1569355048, ClinGen allele CA413248281.

ClinVar aggregate classification (germline): Uncertain significance. Review status: criteria provided, multiple submitters, no conflicts (2 of 4 stars). 2 submissions from 2 submitters: Uncertain significance (2). Last evaluated 2025-08-08.

Conditions:
Congenital muscular hypertrophy-cerebral syndrome (CDLS2). Also called: SMC1A-Related Cornelia de Lange Syndrome; Cornelia de Lange syndrome 2. Identifiers: Orphanet 199, MedGen C1802395, MONDO:0010370, OMIM 300590.

Allele frequency attached by ClinVar (database versions not stated): gnomAD 0.00001.
gnomAD v4.1: 1 of 1,209,531 alleles (0.000083%); highest among the groups gnomAD compares: African/African-American, 0.0018%; no homozygotes.

Submissions (2):

Labcorp Genetics (formerly Invitae), Labcorp
Classification: Uncertain significance for Congenital muscular hypertrophy-cerebral syndrome. Last evaluated: 2025-08-08. Review status: criteria provided, single submitter. Criteria: Invitae Variant Classification Sherloc (09022015). Collection method: clinical testing. Allele origin: germline.
Comment: This sequence change replaces threonine, which is neutral and polar, with isoleucine, which is neutral and non-polar, at codon 913 of the SMC1A protein (p.Thr913Ile). This variant is not present in population databases (gnomAD no frequency). This variant has not been reported in the literature in individuals affected with SMC1A-related conditions. ClinVar contains an entry for this variant (Variation ID: 572035). Invitae Evidence Modeling of protein sequence and biophysical properties (such as structural, functional, and spatial information, amino acid conservation, physicochemical variation, residue mobility, and thermodynamic stability) indicates that this missense variant is not expected to disrupt SMC1A protein function with a negative predictive value of 80%. In summary, the available evidence is currently insufficient to determine the role of this variant in disease. Therefore, it has been classified as a Variant of Uncertain Significance.

GeneDx
Classification: Uncertain significance. Last evaluated: 2024-10-11. Review status: criteria provided, single submitter. Criteria: GeneDx Variant Classification Process June 2021. Collection method: clinical testing. Allele origin: germline. Affected: yes.
Comment: Not observed at significant frequency in large population cohorts (gnomAD); Missense variants in this gene are a common cause of disease and they are underrepresented in the general population; In silico analysis indicates that this missense variant does not alter protein structure/function; Has not been previously published as pathogenic or benign to our knowledge